The following is an entry in ClinVar:

ClinVar aggregate classification (germline): Uncertain significance (1 of 4 stars; one submission).

Conditions:
Autosomal dominant limb-girdle muscular dystrophy type 1D (DNAJB6) (LGMDD1). Also called: MUSCULAR DYSTROPHY, LIMB-GIRDLE, TYPE 1D; MUSCULAR DYSTROPHY, AUTOSOMAL DOMINANT, WITH RIMMED VACUOLES; Autosomal dominant limb-girdle muscular dystrophy type 1D; Muscular dystrophy, limb-girdle, autosomal dominant 1. Identifiers: Orphanet 34516, MedGen C4721885, MONDO:0021018, OMIM 603511.

Allele frequency attached by ClinVar (database versions not stated): gnomAD 0.00001.

Submission:

Labcorp Genetics (formerly Invitae), Labcorp
Classification: Uncertain significance for Autosomal dominant limb-girdle muscular dystrophy type 1D (DNAJB6). Last evaluated: 2024-12-23. Review status: criteria provided, single submitter. Criteria: Invitae Variant Classification Sherloc (09022015). Collection method: clinical testing. Allele origin: germline.
Comment: This sequence change replaces arginine, which is basic and polar, with histidine, which is basic and polar, at codon 258 of the DNAJB6 protein (p.Arg258His). This variant is not present in population databases (gnomAD no frequency). This variant has not been reported in the literature in individuals affected with DNAJB6-related conditions. ClinVar contains an entry for this variant (Variation ID: 1059952). Invitae Evidence Modeling of protein sequence and biophysical properties (such as structural, functional, and spatial information, amino acid conservation, physicochemical variation, residue mobility, and thermodynamic stability) indicates that this missense variant is not expected to disrupt DNAJB6 protein function with a negative predictive value of 80%. In summary, the available evidence is currently insufficient to determine the role of this variant in disease. Therefore, it has been classified as a Variant of Uncertain Significance.

NM_058246.4(DNAJB6):c.773G>A (p.Arg258His)

Gene: DNAJB6 (DnaJ heat shock protein family (Hsp40) member B6; plus strand). Cytogenetic location: 7q36.3.
Variant type: single nucleotide variant.
Coding change: c.773G>A on transcript NM_058246.4 (MANE Select); coding-DNA position 773, G replaced by A.
Protein change: p.Arg258His; replaces arginine 258 with histidine.
Molecular consequence: missense variant.
Genome position (GRCh38, 1-based): chr7:157,409,876, G>A. VCF-style: chr7-157409876-G-A. GRCh37 (hg19) VCF-style: chr7-157202570-G-A.
Other names: c.428G>A, p.Arg143His (NM_001363676.1); short protein forms R143H, R258H.
Identifiers: ClinVar variation 1059952 (VCV001059952.9), dbSNP rs1795909873, ClinGen allele CA370167306.